The following is an entry in ClinVar:

ClinVar aggregate classification (germline): Benign (0 of 4 stars; one submission).

Conditions:
CELSR1-related disorder. Also called: CELSR1-related condition.

Allele frequency attached by ClinVar (database versions not stated): ExAC 0.03646; gnomAD exomes 0.05002; 1000 Genomes Project 0.01957; 1000 Genomes Project 30x 0.02139; gnomAD 0.03496; ESP Exome Variant Server 0.03521; TOPMed 0.03544.
gnomAD v4.1: 78,183 of 1,613,168 alleles (4.8%); highest among the groups gnomAD compares: Non-Finnish European, 5.7%; 2,131 homozygotes.

Submission:

PreventionGenetics, part of Exact Sciences
Classification: Benign for CELSR1-related condition. Last evaluated: 2019-08-02. Review status: no assertion criteria provided. Collection method: clinical testing. Allele origin: germline.
Comment: This variant is classified as benign based on ACMG/AMP sequence variant interpretation guidelines (Richards et al. 2015 PMID: 25741868, with internal and published modifications).

NM_001378328.1(CELSR1):c.5472A>G (p.Gly1824=)

Gene: CELSR1 (cadherin EGF LAG seven-pass G-type receptor 1; minus strand). Cytogenetic location: 22q13.31.
Variant type: single nucleotide variant.
Coding change: c.5472A>G on transcript NM_001378328.1 (MANE Select); coding-DNA position 5472, A replaced by G.
Protein change: p.Gly1824=; no amino-acid change (glycine 1824 retained).
Molecular consequence: synonymous variant.
Genome position (GRCh38, 1-based): chr22:46,398,578, T>C on the plus strand (A>G on the coding strand, the complement: CELSR1 is on the minus strand). VCF-style: chr22-46398578-T-C. GRCh37 (hg19) VCF-style: chr22-46794475-T-C.
Other names: c.5472A>G, p.Gly1824= (NM_014246.4).
Identifiers: ClinVar variation 3057097 (VCV003057097.2), dbSNP rs45604542, ClinGen allele CA10294239.